The following is an entry in ClinVar:

ClinVar aggregate classification (germline): Likely pathogenic (1 of 4 stars; one submission).

Submission:

Mayo Clinic Laboratories, Mayo Clinic
Classification: Likely pathogenic. Last evaluated: 2022-03-18. Review status: criteria provided, single submitter. Criteria: ACMG Guidelines, 2015. Collection method: clinical testing. Allele origin: germline. Observed: 1 variant allele.
Comment: PM2, PVS1

NM_013335.4(GMPPA):c.138+1G>T

Genes: ASIC4-AS1 (ASIC4 antisense RNA 1; minus strand), GMPPA (GDP-mannose pyrophosphorylase A; plus strand). Cytogenetic location: 2q35.
Variant type: single nucleotide variant.
Coding change: c.138+1G>T on transcript NM_013335.4 (MANE Select); the canonical splice donor site of the intron after coding-DNA position 138, G replaced by T.
Molecular consequence: splice donor variant.
Genome position (GRCh38, 1-based): chr2:219,500,219, G>T. VCF-style: chr2-219500219-G-T. GRCh37 (hg19) VCF-style: chr2-220364941-G-T.
Other names: c.138+1G>T (NM_001374295.1, NM_205847.3, NM_001374294.1).
Identifiers: ClinVar variation 2682820 (VCV002682820.1), dbSNP rs1001973468, ClinGen allele CA66009461.
Genomic context (GRCh38, chr2:219,500,219, plus strand): 5'-CCATTGTTTCCTGTGGCAGGGGTCCCTATGATCCAACACCATATTGAAGCCTGTGCCCAG[G>T]TAACCTCAGGGGCTCCCCTCTCTCACCTCACTTCCTGCTTATCTTCATGCTGTTTCCCCC-3'